The following is an entry in ClinVar:

NM_004385.5(VCAN):c.1793A>T (p.Glu598Val)

Gene: VCAN (versican; plus strand). Cytogenetic location: 5q14.3.
Variant type: single nucleotide variant.
Coding change: c.1793A>T on transcript NM_004385.5 (MANE Select); coding-DNA position 1793, A replaced by T.
Protein change: p.Glu598Val; replaces glutamic acid 598 with valine.
Molecular consequence: missense variant. On other transcripts: intron variant (2).
Genome position (GRCh38, 1-based): chr5:83,520,099, A>T. VCF-style: chr5-83520099-A-T. GRCh37 (hg19) VCF-style: chr5-82815918-A-T.
Other names: c.1793A>T, p.Glu598Val (NM_001164098.2); c.1042+7703A>T (NM_001164097.2, NM_001126336.3); short protein forms E598V.
Identifiers: ClinVar variation 1954217 (VCV001954217.6), dbSNP rs1580627389, ClinGen allele CA360301883.

ClinVar aggregate classification (germline): Uncertain significance. Review status: criteria provided, multiple submitters, no conflicts (2 of 4 stars). 2 submissions from 2 submitters: Uncertain significance (2). Last evaluated 2024-01-02.

Allele frequency attached by ClinVar (database versions not stated): gnomAD exomes below 0.00001.
gnomAD v4.1: 8 of 1,614,072 alleles (0.0005%); highest among the groups gnomAD compares: African/African-American, 0.008%; no homozygotes.

Submissions (2):

Labcorp Genetics (formerly Invitae), Labcorp
Classification: Uncertain significance. Last evaluated: 2024-01-02. Review status: criteria provided, single submitter. Criteria: Invitae Variant Classification Sherloc (09022015). Collection method: clinical testing. Allele origin: germline.
Comment: This sequence change replaces glutamic acid, which is acidic and polar, with valine, which is neutral and non-polar, at codon 598 of the VCAN protein (p.Glu598Val). This variant is not present in population databases (gnomAD no frequency). This variant has not been reported in the literature in individuals affected with VCAN-related conditions. ClinVar contains an entry for this variant (Variation ID: 1954217). An algorithm developed to predict the effect of missense changes on protein structure and function (PolyPhen-2) suggests that this variant is likely to be tolerated. In summary, the available evidence is currently insufficient to determine the role of this variant in disease. Therefore, it has been classified as a Variant of Uncertain Significance.

Blueprint Genetics
Classification: Uncertain significance. Last evaluated: 2021-05-21. Review status: criteria provided, single submitter. Criteria: ACMG Guidelines, 2015. Collection method: clinical testing. Allele origin: germline.